The following is an entry in ClinVar:

ClinVar aggregate classification (germline): Benign/Likely benign. Review status: criteria provided, multiple submitters, no conflicts (2 of 4 stars). 17 submissions from 16 submitters: Benign (11); Likely benign (3). 3 of the submissions do not count toward it. Last evaluated 2026-02-03.

Conditions:
Cardiovascular phenotype. Identifiers: MedGen CN230736.
Cardiomyopathy (CMYO). Also called: Cardiomyopathies. Identifiers: Orphanet 167848, MedGen C0878544, MONDO:0004994, HP:0001638. Inheritance: Various modes of inheritance.
Catecholaminergic polymorphic ventricular tachycardia 1. Also called: VENTRICULAR TACHYCARDIA, CATECHOLAMINERGIC POLYMORPHIC, 1, WITH OR WITHOUT ATRIAL DYSFUNCTION AND/OR DILATED CARDIOMYOPATHY; VENTRICULAR TACHYCARDIA, STRESS-INDUCED POLYMORPHIC 1; RYR2-Related Catecholaminergic Polymorphic Ventricular Tachycardia. Identifiers: Orphanet 3286, MedGen C1631597, MONDO:0011484, OMIM 604772.
Arrhythmogenic right ventricular dysplasia 2. Identifiers: MedGen C1832931.
Catecholaminergic polymorphic ventricular tachycardia (CVPT). Also called: Catecholamine-induced polymorphic ventricular tachycardia. Identifiers: Orphanet 3286, MedGen C5574922, MONDO:0017990.

Allele frequency attached by ClinVar (database versions not stated): gnomAD exomes 0.00111 and 0.00207; ExAC 0.00265; gnomAD 0.00736 and 0.00787; TOPMed 0.00832; ESP Exome Variant Server 0.00901; 1000 Genomes Project 0.01138; 1000 Genomes Project 30x 0.01234.
gnomAD v4.1: 2,774 of 1,611,930 alleles (0.17%); highest among the groups gnomAD compares: African/African-American, 2.4%; 29 homozygotes.

Submissions (17):

Labcorp Genetics (formerly Invitae), Labcorp
Classification: Benign for Catecholaminergic polymorphic ventricular tachycardia 1. Last evaluated: 2026-02-03. Review status: criteria provided, single submitter. Criteria: Invitae Variant Classification Sherloc (09022015). Collection method: clinical testing. Allele origin: germline.

Molecular Diagnostic Laboratory for Inherited Cardiovascular Disease, Montreal Heart Institute
Classification: Benign. Last evaluated: 2025-04-09. Review status: criteria provided, single submitter. Criteria: ACMG Guidelines, 2015. Collection method: clinical testing. Allele origin: germline. Affected: no.

Blueprint Genetics
Classification: Likely benign. Last evaluated: 2024-11-01. Review status: criteria provided, single submitter. Criteria: ACMG Guidelines, 2015. Collection method: clinical testing. Allele origin: germline.

Mayo Clinic Laboratories, Mayo Clinic
Classification: Benign. Last evaluated: 2024-10-17. Review status: criteria provided, single submitter. Criteria: ACMG Guidelines, 2015. Collection method: clinical testing. Allele origin: germline. Observed: 5 variant alleles.

All of Us Research Program, National Institutes of Health
Classification: Benign for Catecholaminergic polymorphic ventricular tachycardia. Last evaluated: 2024-02-05. Review status: criteria provided, single submitter. Criteria: ACMG Guidelines, 2015. Collection method: clinical testing. Allele origin: germline. Inheritance: Autosomal dominant inheritance. Observed: 461 variant alleles, 457 heterozygotes, 4 homozygotes.
Comment: This study involves interpretation of variants in research participants for the purpose of population health screening. Participant phenotype was not available at the time of variant classification. Additional details can be found in publication PMID: 35346344, PMCID: PMC8962531

ARUP Laboratories, Molecular Genetics and Genomics, ARUP Laboratories
Classification: Benign. Last evaluated: 2023-11-29. Review status: criteria provided, single submitter. Criteria: ARUP Molecular Germline Variant Investigation Process 2024. Collection method: clinical testing. Allele origin: germline.

Color Diagnostics, LLC DBA Color Health
Classification: Benign for Cardiomyopathy. Last evaluated: 2018-03-16. Review status: criteria provided, single submitter. Criteria: ACMG Guidelines, 2015. Collection method: clinical testing. Allele origin: germline.

Illumina Laboratory Services, Illumina
Classification: Benign for Catecholaminergic polymorphic ventricular tachycardia 1. Last evaluated: 2018-01-12. Review status: criteria provided, single submitter. Criteria: ICSL Variant Classification Criteria 13 December 2019. Collection method: clinical testing. Allele origin: germline.
Comment: This variant was observed in the ICSL laboratory as part of a predisposition screen in an ostensibly healthy population. It had not been previously curated by ICSL or reported in the Human Gene Mutation Database (HGMD: prior to June 1st, 2018), and was therefore a candidate for classification through an automated scoring system. Utilizing variant allele frequency, disease prevalence and penetrance estimates, and inheritance mode, an automated score was calculated to assess if this variant is too frequent to cause the disease. Based on the score and internal cut-off values, a variant classified as benign is not then subjected to further curation. The score for this variant resulted in a classification of benign for this disease.

Illumina Laboratory Services, Illumina
Classification: Likely benign for Catecholaminergic polymorphic ventricular tachycardia 1. Last evaluated: 2018-01-12. Review status: criteria provided, single submitter. Criteria: ICSL Variant Classification Criteria 13 December 2019. Collection method: clinical testing. Allele origin: germline.
Comment: This variant was observed in the ICSL laboratory as part of a predisposition screen in an ostensibly healthy population. It had not been previously curated by ICSL or reported in the Human Gene Mutation Database (HGMD: prior to June 1st, 2018), and was therefore a candidate for classification through an automated scoring system. Utilizing variant allele frequency, disease prevalence and penetrance estimates, and inheritance mode, an automated score was calculated to assess if this variant is too frequent to cause the disease. Based on the score and internal cut-off values, a variant classified as likely benign is not then subjected to further curation. The score for this variant resulted in a classification of likely benign for this disease.

CHEO Genetics Diagnostic Laboratory, Children's Hospital of Eastern Ontario
Classification: Benign for Cardiomyopathy. Last evaluated: 2015-12-02. Review status: criteria provided, single submitter. Criteria: ACMG Guidelines, 2015. Collection method: clinical testing. Allele origin: germline. Study: Canadian Open Genetics Repository.

Ambry Genetics
Classification: Benign for Cardiovascular phenotype. Last evaluated: 2015-03-23. Review status: criteria provided, single submitter. Criteria: Ambry Variant Classification Scheme 2023. Collection method: clinical testing. Allele origin: germline.

GeneDx
Classification: Benign. Last evaluated: 2014-04-15. Review status: criteria provided, single submitter. Criteria: GeneDx Variant Classification (06012015). Collection method: clinical testing. Allele origin: germline. Affected: yes.
Comment: This variant is considered likely benign or benign based on one or more of the following criteria: it is a conservative change, it occurs at a poorly conserved position in the protein, it is predicted to be benign by multiple in silico algorithms, and/or has population frequency not consistent with disease.

Laboratory for Molecular Medicine, Mass General Brigham Personalized Medicine
Classification: Benign. Last evaluated: 2012-11-19. Review status: criteria provided, single submitter. Criteria: LMM Criteria. Collection method: clinical testing. Allele origin: germline. Observed: 16 variant alleles.
Comment: Val3945Val in exon 88 of RYR2: This variant is not expected to have clinical sig nificance because it does not alter an amino acid residue and has been identifie d in 2.7% (104/3836) of African American chromosomes from a broad population by the NHLBI Exome Sequencing Project (dbSNP rs7 8939657).

Breakthrough Genomics
Classification: Likely benign. Review status: criteria provided, single submitter. Criteria: ACMG Guidelines, 2015. Collection method: not provided. Allele origin: germline. Inheritance: Autosomal dominant inheritance. Affected: yes.

Clinical Genetics DNA and cytogenetics Diagnostics Lab, Erasmus MC, Erasmus Medical Center
Classification: Benign. Review status: no assertion criteria provided. Collection method: clinical testing. Allele origin: germline. Affected: yes. Study: VKGL Data-share Consensus. Not counted in ClinVar's aggregate classification.

Clinical Genetics, Academic Medical Center
Classification: Benign. Review status: no assertion criteria provided. Collection method: clinical testing. Allele origin: germline. Affected: yes. Study: VKGL Data-share Consensus. Not counted in ClinVar's aggregate classification.

Genome Diagnostics Laboratory, University Medical Center Utrecht
Classification: Benign. Review status: no assertion criteria provided. Collection method: clinical testing. Allele origin: germline. Affected: yes. Study: VKGL Data-share Consensus. Not counted in ClinVar's aggregate classification.

NM_001035.3(RYR2):c.11835C>T (p.Val3945=)

Gene: RYR2 (ryanodine receptor 2; plus strand). Cytogenetic location: 1q43.
Variant type: single nucleotide variant.
Coding change: c.11835C>T on transcript NM_001035.3 (MANE Select); coding-DNA position 11835, C replaced by T.
Protein change: p.Val3945=; no amino-acid change (valine 3945 retained).
Molecular consequence: synonymous variant.
Genome position (GRCh38, 1-based): chr1:237,778,725, C>T. VCF-style: chr1-237778725-C-T. GRCh37 (hg19) VCF-style: chr1-237942025-C-T.
Other names: p.V3945V:GTC>GTT; p.Val3945=.
Identifiers: ClinVar variation 43715 (VCV000043715.78), dbSNP rs78939657, ClinGen allele CA007178.
Genomic context (GRCh38, chr1:237,778,725, plus strand): 5'-GGGTCCTTGCACTGGGAATCAACAGAGTTTGGCACACAGCAGGCTGTGGGATGCTGTGGT[C>T]GGCTTTCTTCATGTGTTTGCCCATATGCAGATGAAGCTGTCGCAGGTAAACTAACTAACT-3'
Protein context (NP_001026.2, residues 3935-3955): LAHSRLWDAV[Val3945=]GFLHVFAHMQ